The following is an entry in ClinVar:

ClinVar aggregate classification (germline): Likely pathogenic (1 of 4 stars; one submission).

Submission:

Labcorp Genetics (formerly Invitae), Labcorp
Classification: Likely pathogenic. Last evaluated: 2022-03-03. Review status: criteria provided, single submitter. Criteria: Invitae Variant Classification Sherloc (09022015). Collection method: clinical testing. Allele origin: germline.
Comment: This sequence change affects an acceptor splice site in intron 6 of the MPDZ gene. It is expected to disrupt RNA splicing. Variants that disrupt the donor or acceptor splice site typically lead to a loss of protein function (PMID: 16199547), and loss-of-function variants in MPDZ are known to be pathogenic (PMID: 23240096, 28556411). This variant is not present in population databases (gnomAD no frequency). This variant has not been reported in the literature in individuals affected with MPDZ-related conditions. ClinVar contains an entry for this variant (Variation ID: 1068363). Algorithms developed to predict the effect of sequence changes on RNA splicing suggest that this variant may disrupt the consensus splice site. In summary, the currently available evidence indicates that the variant is pathogenic, but additional data are needed to prove that conclusively. Therefore, this variant has been classified as Likely Pathogenic.

Literature cited by the submitters: PubMed 16199547; PubMed 23240096; PubMed 28556411.

NM_001378778.1(MPDZ):c.748-1G>A

Gene: MPDZ (multiple PDZ domain crumbs cell polarity complex component; minus strand). Cytogenetic location: 9p23.
Variant type: single nucleotide variant.
Coding change: c.748-1G>A on transcript NM_001378778.1 (MANE Select); the canonical splice acceptor site of the intron before coding-DNA position 748, G replaced by A.
Molecular consequence: splice acceptor variant.
Genome position (GRCh38, 1-based): chr9:13,221,501, C>T on the plus strand (G>A on the coding strand, the complement: MPDZ is on the minus strand). VCF-style: chr9-13221501-C-T. GRCh37 (hg19) VCF-style: chr9-13221500-C-T.
Other names: c.748-1G>A (NM_001375425.1, NM_001375420.1, NM_001375419.1 and 14 more transcripts).
Identifiers: ClinVar variation 1068363 (VCV001068363.7), dbSNP rs1959088978, ClinGen allele CA372946561.